The following is an entry in ClinVar:

NM_001144967.3(NEDD4L):c.419C>G (p.Ser140Cys)

Gene: NEDD4L (NEDD4 like E3 ubiquitin protein ligase; plus strand). Cytogenetic location: 18q21.31.
Variant type: single nucleotide variant.
Coding change: c.419C>G on transcript NM_001144967.3 (MANE Select); coding-DNA position 419, C replaced by G.
Protein change: p.Ser140Cys; replaces serine 140 with cysteine.
Molecular consequence: missense variant.
Genome position (GRCh38, 1-based): chr18:58,323,240, C>G. VCF-style: chr18-58323240-C-G. GRCh37 (hg19) VCF-style: chr18-55990472-C-G.
Other names: c.56C>G, p.Ser19Cys (NM_001144964.1, NM_001144965.2, NM_001144966.3 and 2 more transcripts); c.395C>G, p.Ser132Cys (NM_001144968.2, NM_001144969.2); c.419C>G, p.Ser140Cys (NM_001243960.2, NM_015277.6); short protein forms S132C, S140C, S19C.
Identifiers: ClinVar variation 3665794 (VCV003665794.2).

ClinVar aggregate classification (germline): Uncertain significance (1 of 4 stars; one submission).

Submission:

Labcorp Genetics (formerly Invitae), Labcorp
Classification: Uncertain significance. Last evaluated: 2024-09-10. Review status: criteria provided, single submitter. Criteria: Invitae Variant Classification Sherloc (09022015). Collection method: clinical testing. Allele origin: germline.
Comment: This sequence change replaces serine, which is neutral and polar, with cysteine, which is neutral and slightly polar, at codon 140 of the NEDD4L protein (p.Ser140Cys). This variant is not present in population databases (gnomAD no frequency). This variant has not been reported in the literature in individuals affected with NEDD4L-related conditions. Invitae Evidence Modeling of protein sequence and biophysical properties (such as structural, functional, and spatial information, amino acid conservation, physicochemical variation, residue mobility, and thermodynamic stability) indicates that this missense variant is not expected to disrupt NEDD4L protein function with a negative predictive value of 80%. In summary, the available evidence is currently insufficient to determine the role of this variant in disease. Therefore, it has been classified as a Variant of Uncertain Significance.